The following is an entry in ClinVar:

NM_014363.6(SACS):c.11402A>G (p.Asp3801Gly)

Gene: SACS (sacsin molecular chaperone; minus strand). Cytogenetic location: 13q12.12.
Variant type: single nucleotide variant.
Coding change: c.11402A>G on transcript NM_014363.6 (MANE Select); coding-DNA position 11402, A replaced by G.
Protein change: p.Asp3801Gly; replaces aspartic acid 3801 with glycine.
Molecular consequence: missense variant.
Genome position (GRCh38, 1-based): chr13:23,332,474, T>C on the plus strand (A>G on the coding strand, the complement: SACS is on the minus strand). VCF-style: chr13-23332474-T-C. GRCh37 (hg19) VCF-style: chr13-23906613-T-C.
Other names: c.10961A>G, p.Asp3654Gly (NM_001278055.2); short protein forms D3654G, D3801G.
Identifiers: ClinVar variation 2101480 (VCV002101480.4), dbSNP rs918130213, ClinGen allele CA246651425.

ClinVar aggregate classification (germline): Uncertain significance (1 of 4 stars; one submission).

Conditions:
Spastic paraplegia. Identifiers: MedGen C0037772, HP:0001258.

Allele frequency attached by ClinVar (database versions not stated): gnomAD exomes below 0.00001.
gnomAD v4.1: 1 of 1,613,990 alleles (0.000062%); highest among the groups gnomAD compares: South Asian, 0.0011%; no homozygotes.

Submission:

Labcorp Genetics (formerly Invitae), Labcorp
Classification: Uncertain significance for Spastic paraplegia. Last evaluated: 2022-02-22. Review status: criteria provided, single submitter. Criteria: Invitae Variant Classification Sherloc (09022015). Collection method: clinical testing. Allele origin: germline.
Comment: This sequence change replaces aspartic acid, which is acidic and polar, with glycine, which is neutral and non-polar, at codon 3801 of the SACS protein (p.Asp3801Gly). In summary, the available evidence is currently insufficient to determine the role of this variant in disease. Therefore, it has been classified as a Variant of Uncertain Significance. Advanced modeling of protein sequence and biophysical properties (such as structural, functional, and spatial information, amino acid conservation, physicochemical variation, residue mobility, and thermodynamic stability) performed at Invitae indicates that this missense variant is not expected to disrupt SACS protein function. This variant has not been reported in the literature in individuals affected with SACS-related conditions. This variant is not present in population databases (gnomAD no frequency).